The following is an entry in ClinVar:

ClinVar aggregate classification (germline): Uncertain significance (1 of 4 stars; one submission).

gnomAD v4.1: 1 of 1,613,974 alleles (0.000062%); highest among the groups gnomAD compares: Non-Finnish European, 0.000085%; no homozygotes.

Submission:

Labcorp Genetics (formerly Invitae), Labcorp
Classification: Uncertain significance. Last evaluated: 2020-12-24. Review status: criteria provided, single submitter. Criteria: Invitae Variant Classification Sherloc (09022015). Collection method: clinical testing. Allele origin: germline.
Comment: This sequence change replaces proline with threonine at codon 910 of the CYFIP2 protein (p.Pro910Thr). The proline residue is highly conserved and there is a small physicochemical difference between proline and threonine. This variant is not present in population databases (ExAC no frequency). In summary, the available evidence is currently insufficient to determine the role of this variant in disease. Therefore, it has been classified as a Variant of Uncertain Significance. Algorithms developed to predict the effect of missense changes on protein structure and function are either unavailable or do not agree on the potential impact of this missense change (SIFT: "Tolerated"; PolyPhen-2: "Not Available"; Align-GVGD: "Class C0"). This variant has been observed in individual(s) with clinical features of CYFIP2-related conditions (Invitae).

NM_001037333.3(CYFIP2):c.2728C>A (p.Pro910Thr)

Gene: CYFIP2 (cytoplasmic FMR1 interacting protein 2; plus strand). Cytogenetic location: 5q33.3.
Variant type: single nucleotide variant.
Coding change: c.2728C>A on transcript NM_001037333.3 (MANE Select); coding-DNA position 2728, C replaced by A.
Protein change: p.Pro910Thr; replaces proline 910 with threonine.
Molecular consequence: missense variant.
Genome position (GRCh38, 1-based): chr5:157,359,059, C>A. VCF-style: chr5-157359059-C-A. GRCh37 (hg19) VCF-style: chr5-156786067-C-A.
Other names: c.2650C>A, p.Pro884Thr (NM_001291721.2); c.2803C>A, p.Pro935Thr (NM_001291722.2); c.2728C>A, p.Pro910Thr (NM_014376.4); short protein forms P884T, P910T, P935T.
Identifiers: ClinVar variation 1497297 (VCV001497297.8), dbSNP rs1343373167, ClinGen allele CA361976732.